The following is an entry in ClinVar:

NM_005909.5(MAP1B):c.197G>T (p.Trp66Leu)

Gene: MAP1B (microtubule associated protein 1B; plus strand). Cytogenetic location: 5q13.2.
Variant type: single nucleotide variant.
Coding change: c.197G>T on transcript NM_005909.5 (MANE Select); coding-DNA position 197, G replaced by T.
Protein change: p.Trp66Leu; replaces tryptophan 66 with leucine.
Molecular consequence: missense variant.
Genome position (GRCh38, 1-based): chr5:72,115,710, G>T. VCF-style: chr5-72115710-G-T. GRCh37 (hg19) VCF-style: chr5-71411537-G-T.
Other names: c.197G>T (NM_005909.4); short protein forms W66L.
Identifiers: ClinVar variation 4859490 (VCV004859490.2).

ClinVar aggregate classification (germline): Uncertain significance. Review status: criteria provided, multiple submitters, no conflicts (2 of 4 stars). 2 submissions from 2 submitters: Uncertain significance (2). Last evaluated 2026-05-02.

Conditions:
MAP1B-related disorder. Also called: MAP1B-related condition.
Inborn genetic diseases. Identifiers: MedGen C0950123, MeSH D030342.

gnomAD v4.1: 3 of 1,609,072 alleles (0.00019%); highest among the groups gnomAD compares: South Asian, 0.0022%; no homozygotes.

Submissions (2):

PreventionGenetics, part of Exact Sciences
Classification: Uncertain significance for MAP1B-related condition. Last evaluated: 2026-05-02. Review status: criteria provided, single submitter. Criteria: ACMG Guidelines, 2015. Collection method: clinical testing. Allele origin: germline.
Comment: The MAP1B c.197G>T variant is predicted to result in the amino acid substitution p.Trp66Leu. To our knowledge, this variant has not been reported in the literature or in a large population database (gnomAD), indicating this variant is rare. At this time, the clinical significance of this variant is uncertain due to the absence of conclusive functional and genetic evidence.

Ambry Genetics
Classification: Uncertain significance for Inborn genetic diseases. Last evaluated: 2026-03-26. Review status: criteria provided, single submitter. Criteria: Ambry Variant Classification Scheme 2023. Collection method: clinical testing. Allele origin: germline.